The following is an entry in ClinVar:

ClinVar aggregate classification (germline): Benign/Likely benign. Review status: criteria provided, multiple submitters, no conflicts (2 of 4 stars). 2 submissions from 2 submitters: Benign (1); Likely benign (1). Last evaluated 2026-01-19.

Conditions:
Koolen-de Vries syndrome (KDVS). Identifiers: Orphanet 96169, MedGen C1864871, MONDO:0012496, OMIM 610443.

Allele frequency attached by ClinVar (database versions not stated): gnomAD exomes 0.00008; 1000 Genomes Project 30x 0.00047; gnomAD 0.00099 and 0.00108; TOPMed 0.00116.
gnomAD v4.1: 281 of 1,605,204 alleles (0.018%); highest among the groups gnomAD compares: African/African-American, 0.32%; no homozygotes.

Submissions (2):

Labcorp Genetics (formerly Invitae), Labcorp
Classification: Likely benign for Koolen-de Vries syndrome. Last evaluated: 2026-01-19. Review status: criteria provided, single submitter. Criteria: Invitae Variant Classification Sherloc (09022015). Collection method: clinical testing. Allele origin: germline.

GeneDx
Classification: Benign. Last evaluated: 2015-06-25. Review status: criteria provided, single submitter. Criteria: GeneDx Variant Classification (06012015). Collection method: clinical testing. Allele origin: germline. Affected: yes.
Comment: This variant is considered likely benign or benign based on one or more of the following criteria: it is a conservative change, it occurs at a poorly conserved position in the protein, it is predicted to be benign by multiple in silico algorithms, and/or has population frequency not consistent with disease.

NM_015443.4(KANSL1):c.1574C>G (p.Pro525Arg)

Gene: KANSL1 (KAT8 regulatory NSL complex subunit 1). Cytogenetic location: 17q21.31.
Variant type: single nucleotide variant.
Coding change: c.1574C>G on transcript NM_015443.4 (MANE Select); coding-DNA position 1574, C replaced by G.
Protein change: p.Pro525Arg; replaces proline 525 with arginine.
Molecular consequence: missense variant.
Genome position (GRCh38, 1-based): chr17:46,067,627, G>C on the plus strand (C>G on the coding strand, the complement: KANSL1 is on the minus strand). VCF-style: chr17-46067627-G-C. GRCh37 (hg19) VCF-style: chr17-44144993-C-C.
Other names: c.1574C>G, p.Pro525Arg (NM_001193465.2, NM_001193466.2, NM_001379198.1); short protein forms P525R.
Identifiers: ClinVar variation 377991 (VCV000377991.12), dbSNP rs144838667, ClinGen allele CA16607706.